The following is an entry in ClinVar:

NM_000043.6(FAS):c.404G>T (p.Cys135Phe)

Gene: FAS (Fas cell surface death receptor; plus strand). Cytogenetic location: 10q23.31.
Variant type: single nucleotide variant.
Coding change: c.404G>T on transcript NM_000043.6 (MANE Select); coding-DNA position 404, G replaced by T.
Protein change: p.Cys135Phe; replaces cysteine 135 with phenylalanine.
Molecular consequence: missense variant. On other transcripts: non-coding transcript variant (1).
Genome position (GRCh38, 1-based): chr10:89,008,958, G>T. VCF-style: chr10-89008958-G-T. GRCh37 (hg19) VCF-style: chr10-90768715-G-T.
Other names: c.404G>T, p.Cys135Phe (NM_001320619.2, NM_152871.4, NM_152872.4); short protein forms C135F.
Identifiers: ClinVar variation 956065 (VCV000956065.11), dbSNP rs1404280764, ClinGen allele CA377508735.

ClinVar aggregate classification (germline): Uncertain significance. Review status: criteria provided, multiple submitters, no conflicts (2 of 4 stars). 2 submissions from 2 submitters: Uncertain significance (2). Last evaluated 2019-07-31.

Conditions:
Autoimmune lymphoproliferative syndrome type 1. Also called: AUTOIMMUNE LYMPHOPROLIFERATIVE SYNDROME, TYPE I, AUTOSOMAL DOMINANT. Identifiers: Orphanet 3261, MedGen C2717884, MONDO:0011158, OMIM 601859.

Submissions (3):

Labcorp Genetics (formerly Invitae), Labcorp
Classification: Uncertain significance for Autoimmune lymphoproliferative syndrome. Last evaluated: 2019-07-31. Review status: criteria provided, single submitter. Criteria: Invitae Variant Classification Sherloc (09022015). Collection method: clinical testing. Allele origin: germline.
Comment: This sequence change replaces cysteine with phenylalanine at codon 135 of the FAS protein (p.Cys135Phe). The cysteine residue is highly conserved and there is a large physicochemical difference between cysteine and phenylalanine. This variant is not present in population databases (ExAC no frequency). This variant has not been reported in the literature in individuals with FAS-related conditions. Algorithms developed to predict the effect of missense changes on protein structure and function are either unavailable or do not agree on the potential impact of this missense change (SIFT: "Deleterious"; PolyPhen-2: "Probably Damaging"; Align-GVGD: "Class C0"). In summary, the available evidence is currently insufficient to determine the role of this variant in disease. Therefore, it has been classified as a Variant of Uncertain Significance.

Children's Medical Center, Division of Allergy and Clinical Immunology, Tehran University of Medical Sciences
Classification: Uncertain significance for Autoimmune lymphoproliferative syndrome type 1. Review status: criteria provided, single submitter. Criteria: ACMG Guidelines, 2015. Collection method: clinical testing. Allele origin: germline. Inheritance: Autosomal recessive inheritance. Affected: yes. Observed: 1 variant allele, 1 homozygote.
Comment: The FAS variant NM_000043.6:c.404G>T (p.Cys135Phe) was classified as uncertain significance based on ACMG/AMP criteria. The clinical presentation is consistent with biallelic FAS deficiency. The variant segregates with disease in a consanguineous family, supporting a recessive mode of inheritance. PM3_VeryStrong + PP4 + PM2_Supporting. No apoptosis assay was performed

Dr. Peter K. Rogan Lab, Western University
No classification provided (evidence only). Condition: Thyroid cancer, nonmedullary, 1. Review status: no classification provided. Collection method: in vitro. Allele origin: not applicable. Functional consequence: retained intron. Not counted in ClinVar's aggregate classification.